The following is an entry in ClinVar:

NM_000368.5(TSC1):c.455T>C (p.Leu152Pro)

Gene: TSC1 (TSC complex subunit 1; minus strand). Cytogenetic location: 9q34.13.
Variant type: single nucleotide variant.
Coding change: c.455T>C on transcript NM_000368.5 (MANE Select); coding-DNA position 455, T replaced by C.
Protein change: p.Leu152Pro; replaces leucine 152 with proline.
Molecular consequence: missense variant. On other transcripts: 5 prime UTR variant (5), non-coding transcript variant (5).
Genome position (GRCh38, 1-based): chr9:132,923,401, A>G on the plus strand (T>C on the coding strand, the complement: TSC1 is on the minus strand). VCF-style: chr9-132923401-A-G. GRCh37 (hg19) VCF-style: chr9-135798788-A-G.
Other names: c.-639T>C (NM_001406630.1); c.455T>C, p.Leu152Pro (NM_001406594.1, NM_001406595.1, NM_001406596.1 and 16 more transcripts); c.302T>C, p.Leu101Pro (NM_001162427.2, NM_001406613.1, NM_001406610.1 and 2 more transcripts); c.92T>C, p.Leu31Pro (NM_001362177.2, NM_001406614.1, NM_001406615.1 and 10 more transcripts); c.-423T>C (NM_001406626.1, NM_001406627.1, NM_001406628.1); c.-565T>C (NM_001406629.1); short protein forms L31P, L101P, L152P.
Identifiers: ClinVar variation 2599751 (VCV002599751.3), dbSNP rs755791846, ClinGen allele CA037542.

ClinVar aggregate classification (germline): Conflicting classifications of pathogenicity. Review status: criteria provided, conflicting classifications (1 of 4 stars). 3 submissions from 3 submitters: Uncertain significance (2); Likely benign (1). Last evaluated 2025-07-14.

Conditions:
Hereditary cancer-predisposing syndrome. Also called: Tumor predisposition; Neoplastic Syndromes, Hereditary; Hereditary Cancer Syndrome; Hereditary neoplastic syndrome. Identifiers: Orphanet 140162, MedGen C0027672, MeSH D009386, MONDO:0015356.
Tuberous sclerosis 1 (TSC1). Identifiers: Orphanet 805, MedGen C1854465, MONDO:0008612, OMIM 191100.
Tuberous sclerosis syndrome (TSC). Also called: Tuberous Sclerosis Complex; Tuberous sclerosis. Identifiers: Orphanet 805, MedGen C0041341, MONDO:0001734.

Allele frequency attached by ClinVar (database versions not stated): gnomAD exomes below 0.00001; ExAC 0.00001.

Submissions (3):

Color Diagnostics, LLC DBA Color Health
Classification: Uncertain significance for Tuberous sclerosis syndrome. Last evaluated: 2025-07-14. Review status: criteria provided, single submitter. Criteria: ACMG Guidelines, 2015. Collection method: clinical testing. Allele origin: germline.
Comment: This missense variant replaces leucine with proline at codon 152 of the TSC1 protein. Computational prediction suggests that this variant may not impact protein structure and function. To our knowledge, functional studies have not been reported for this variant. This variant has not been reported in individuals affected with TSC1-related disorders in the literature. This variant has been identified in 1/251390 chromosomes in the general population by the Genome Aggregation Database (gnomAD). The available evidence is insufficient to determine the role of this variant in disease conclusively. Therefore, this variant is classified as a Variant of Uncertain Significance.

Labcorp Genetics (formerly Invitae), Labcorp
Classification: Likely benign for Tuberous sclerosis 1. Last evaluated: 2025-05-04. Review status: criteria provided, single submitter. Criteria: Invitae Variant Classification Sherloc (09022015). Collection method: clinical testing. Allele origin: germline.

Ambry Genetics
Classification: Uncertain significance for Hereditary cancer-predisposing syndrome. Last evaluated: 2023-09-13. Review status: criteria provided, single submitter. Criteria: Ambry Variant Classification Scheme 2023. Collection method: clinical testing. Allele origin: germline.